The following is an entry in ClinVar:

ClinVar aggregate classification (germline): Likely benign (0 of 4 stars; one submission).

Conditions:
ATP2C1-related disorder. Also called: ATP2C1-related condition.

Allele frequency attached by ClinVar (database versions not stated): gnomAD exomes 0.00001; ExAC 0.00002; gnomAD 0.00009; TOPMed 0.00014.
gnomAD v4.1: 32 of 1,608,974 alleles (0.002%); highest among the groups gnomAD compares: African/African-American, 0.037%; no homozygotes.

Submission:

PreventionGenetics, part of Exact Sciences
Classification: Likely benign for ATP2C1-related condition. Last evaluated: 2019-04-10. Review status: no assertion criteria provided. Collection method: clinical testing. Allele origin: germline.
Comment: This variant is classified as likely benign based on ACMG/AMP sequence variant interpretation guidelines (Richards et al. 2015 PMID: 25741868, with internal and published modifications).

NM_001378687.1(ATP2C1):c.2400C>T (p.Asp800=)

Gene: ATP2C1 (ATPase secretory pathway Ca2+ transporting 1; plus strand). Cytogenetic location: 3q22.1.
Variant type: single nucleotide variant.
Coding change: c.2400C>T on transcript NM_001378687.1 (MANE Select); coding-DNA position 2400, C replaced by T.
Protein change: p.Asp800=; no amino-acid change (aspartic acid 800 retained).
Molecular consequence: synonymous variant.
Genome position (GRCh38, 1-based): chr3:130,998,302, C>T. VCF-style: chr3-130998302-C-T. GRCh37 (hg19) VCF-style: chr3-130717146-C-T.
Other names: c.2400C>T, p.Asp800= (NM_001001485.3, NM_001001486.2, NM_001001487.2 and 5 more transcripts); c.2502C>T, p.Asp834= (NM_001199180.2, NM_001199181.3, NM_001378511.1); c.2385C>T, p.Asp795= (NM_001199182.2); c.2352C>T, p.Asp784= (NM_001199183.2, NM_001199184.3, NM_001378514.1).
Identifiers: ClinVar variation 3048509 (VCV003048509.2), dbSNP rs760722622, ClinGen allele CA2615382.